The following is an entry in ClinVar:

NM_004991.4(MECOM):c.649C>A (p.Leu217Ile)

Gene: MECOM (MDS1 and EVI1 complex locus; minus strand). Cytogenetic location: 3q26.2.
Variant type: single nucleotide variant.
Coding change: c.649C>A on transcript NM_004991.4 (MANE Select); coding-DNA position 649, C replaced by A.
Protein change: p.Leu217Ile; replaces leucine 217 with isoleucine.
Molecular consequence: missense variant.
Genome position (GRCh38, 1-based): chr3:169,128,025, G>T on the plus strand (C>A on the coding strand, the complement: MECOM is on the minus strand). VCF-style: chr3-169128025-G-T. GRCh37 (hg19) VCF-style: chr3-168845813-G-T.
Other names: c.277C>A, p.Leu93Ile (NM_001105077.4); c.85C>A, p.Leu29Ile (NM_001105078.4, NM_001163999.2, NM_001164000.2 and 9 more transcripts); c.649C>A, p.Leu217Ile (NM_001366466.2, NM_001366473.2); short protein forms L217I, L93I, L29I.
Identifiers: ClinVar variation 4053087 (VCV004053087.2).

ClinVar aggregate classification (germline): Uncertain significance. Review status: criteria provided, multiple submitters, no conflicts (2 of 4 stars). 2 submissions from 2 submitters: Uncertain significance (2). Last evaluated 2025-03-31.

Conditions:
Inborn genetic diseases. Identifiers: MedGen C0950123, MeSH D030342.

gnomAD v4.1: 4 of 1,613,918 alleles (0.00025%); highest among the groups gnomAD compares: Admixed American, 0.0017%; no homozygotes.

Submissions (2):

Labcorp Genetics (formerly Invitae), Labcorp
Classification: Uncertain significance. Last evaluated: 2025-03-31. Review status: criteria provided, single submitter. Criteria: Invitae Variant Classification Sherloc (09022015). Collection method: clinical testing. Allele origin: germline.
Comment: This sequence change replaces leucine, which is neutral and non-polar, with isoleucine, which is neutral and non-polar, at codon 29 of the MECOM protein (p.Leu29Ile). This variant is present in population databases (no rsID available, gnomAD 0.003%). This variant has not been reported in the literature in individuals affected with MECOM-related conditions. An algorithm developed to predict the effect of missense changes on protein structure and function outputs the following: PolyPhen-2: "Probably Damaging". The isoleucine amino acid residue is found in multiple mammalian species, which suggests that this missense change does not adversely affect protein function. In summary, the available evidence is currently insufficient to determine the role of this variant in disease. Therefore, it has been classified as a Variant of Uncertain Significance.

Ambry Genetics
Classification: Uncertain significance for Inborn genetic diseases. Last evaluated: 2025-03-20. Review status: criteria provided, single submitter. Criteria: Ambry Variant Classification Scheme 2023. Collection method: clinical testing. Allele origin: germline.
Comment: The p.L217I variant (also known as c.649C>A), located in coding exon 5 of the MECOM gene, results from a C to A substitution at nucleotide position 649. The leucine at codon 217 is replaced by isoleucine, an amino acid with highly similar properties. This amino acid position is conserved. In addition, this alteration is predicted to be tolerated by in silico analysis. Based on the available evidence, the clinical significance of this variant remains unclear.